The following is an entry in ClinVar:

NM_000083.3(CLCN1):c.100G>A (p.Gly34Arg)

Gene: CLCN1 (chloride voltage-gated channel 1; plus strand). Cytogenetic location: 7q34.
Variant type: single nucleotide variant.
Coding change: c.100G>A on transcript NM_000083.3 (MANE Select); coding-DNA position 100, G replaced by A.
Protein change: p.Gly34Arg; replaces glycine 34 with arginine.
Molecular consequence: missense variant. On other transcripts: non-coding transcript variant (1).
Genome position (GRCh38, 1-based): chr7:143,316,312, G>A. VCF-style: chr7-143316312-G-A. GRCh37 (hg19) VCF-style: chr7-143013405-G-A.
Other names: short protein forms G34R.
Identifiers: ClinVar variation 531756 (VCV000531756.9), dbSNP rs200889399, ClinGen allele CA4536821.

ClinVar aggregate classification (germline): Uncertain significance. Review status: criteria provided, multiple submitters, no conflicts (2 of 4 stars). 2 submissions from 2 submitters: Uncertain significance (2). Last evaluated 2025-02-27.

Conditions:
Congenital myotonia, autosomal recessive form. Also called: Becker Generalized Myotonia; BECKER DISEASE; myotonia congenita, autosomal recessive. Identifiers: Orphanet 614, MedGen C0751360, MONDO:0009715, OMIM 255700.
Congenital myotonia, autosomal dominant form (THD). Also called: THOMSEN DISEASE; Myotonia congenita autosomal dominant. Identifiers: Orphanet 614, MedGen C2936781, MONDO:0008055, OMIM 160800.

Allele frequency attached by ClinVar (database versions not stated): gnomAD 0.00001; gnomAD exomes 0.00001; TOPMed 0.00001; ExAC 0.00002; 1000 Genomes Project 30x 0.00016; 1000 Genomes Project 0.00020.
gnomAD v4.1: 35 of 1,613,746 alleles (0.0022%); highest among the groups gnomAD compares: Middle Eastern, 0.017%; no homozygotes.

Submissions (2):

Labcorp Genetics (formerly Invitae), Labcorp
Classification: Uncertain significance for Congenital myotonia, autosomal recessive form; Congenital myotonia, autosomal dominant form. Last evaluated: 2025-02-27. Review status: criteria provided, single submitter. Criteria: Invitae Variant Classification Sherloc (09022015). Collection method: clinical testing. Allele origin: germline.
Comment: This sequence change replaces glycine, which is neutral and non-polar, with arginine, which is basic and polar, at codon 34 of the CLCN1 protein (p.Gly34Arg). This variant is present in population databases (rs200889399, gnomAD 0.003%). This variant has not been reported in the literature in individuals affected with CLCN1-related conditions. ClinVar contains an entry for this variant (Variation ID: 531756). Invitae Evidence Modeling of protein sequence and biophysical properties (such as structural, functional, and spatial information, amino acid conservation, physicochemical variation, residue mobility, and thermodynamic stability) has been performed for this missense variant. However, the output from this modeling did not meet the statistical confidence thresholds required to predict the impact of this variant on CLCN1 protein function. In summary, the available evidence is currently insufficient to determine the role of this variant in disease. Therefore, it has been classified as a Variant of Uncertain Significance.

GeneDx
Classification: Uncertain significance. Last evaluated: 2024-04-04. Review status: criteria provided, single submitter. Criteria: GeneDx Variant Classification Process June 2021. Collection method: clinical testing. Allele origin: germline. Affected: yes.
Comment: Not observed at significant frequency in large population cohorts (gnomAD); In silico analysis indicates that this missense variant does not alter protein structure/function; Has not been previously published as pathogenic or benign to our knowledge